The following continues an entry in ClinVar:

NM_004004.6(GJB2):c.269T>C (p.Leu90Pro)

Gene: GJB2. ClinVar aggregate classification (germline): Pathogenic/Likely pathogenic. Pathogenic (50); Likely pathogenic (1).

Submissions 9 to 20 of 59:

Victorian Clinical Genetics Services, Murdoch Childrens Research Institute
Classification: Pathogenic for Autosomal recessive nonsyndromic hearing loss 1A. Last evaluated: 2025-10-25. Review status: criteria provided, single submitter. Criteria: ACMG Guidelines, 2015. Collection method: clinical testing. Allele origin: germline. Affected: yes.
Comment: This variant is classified as Pathogenic. Evidence in support of pathogenic classification: Variant is present in gnomAD (v2) <0.01 for a recessive condition (178 heterozygotes, 0 homozygote); This variant has very strong previous evidence of pathogenicity in unrelated individuals. This variant is a well-reported pathogenic variant, primarily associated with autosomal recessive hearing loss (ClinVar, PMID: 20301449). Additional information: Variant is predicted to result in a missense amino acid change from leucine to proline; This variant is heterozygous; This gene is associated with both recessive and dominant disease. The autosomal dominant diseases are commonly associated with pathogenic missense variants. The autosomal recessive disease is associated with bi-allelic loss-of-function variants and includes missense and protein truncating variants (NIH Genetics Home Reference, PMID: 12792423); Variant is located in the annotated connexin domain (DECIPHER); Missense variant predicted to be damaging by in silico tool(s) or highly conserved with a major amino acid change; Loss of function is a known mechanism of disease in this gene and is associated with both deafness and skin conditions (OMIM). Dominant negative is also a suggested mechanism (PMID: 28428247); The condition associated with this gene has incomplete penetrance (PMID: 31160754); Variants in this gene are known to have variable expressivity. Severity can range from mild to profound with intrafamilial variability also commonly seen. Commonly, truncating variants are associated to a more severe hearing loss (PMID: 20301449); Heterozygous variant detected in trans with a second PATHOGENIC heterozygous variant (NM_004004.6(GJB2):c.358_360del; p.(Glu120del)) in a recessive disease; Inheritance information for this variant is not currently available in this individual.

Ambry Genetics
Classification: Pathogenic for Inborn genetic diseases. Last evaluated: 2025-10-23. Review status: criteria provided, single submitter. Criteria: Ambry Variant Classification Scheme 2023. Collection method: clinical testing. Allele origin: germline.
Comment: The c.269T>C (p.L90P) alteration is located in exon 2 (coding exon 1) of the GJB2 gene. This alteration results from a T to C substitution at nucleotide position 269, causing the leucine (L) at amino acid position 90 to be replaced by a proline (P). for autosomal recessive GJB2-related nonsyndromic hearing loss; however, it is unlikely to be causative of autosomal dominant GJB2-related non-syndromic hearing loss or autosomal dominant GJB2-related syndromic hearing loss with ectodermal involvement. Based on data from gnomAD, the C allele has an overall frequency of 0.063% (178/282666) total alleles studied. The highest observed frequency was 0.119% (153/129066) of European (non-Finnish) alleles. This variant has been identified in the homozygous state and/or in conjunction with other GJB2 variant(s) in individual(s) with features consistent with autosomal recessive GJB2-related nonsyndromic hearing loss (Denoyelle, 1999; Janecke, 2002; Tekin, 2003). This amino acid position is highly conserved in available vertebrate species. Multiple functional assays show impaired function of gap junctions in vitro (D'Andrea, 2002; Th&ouml;nnissen, 2002; Bruzzone, 2003). This alteration is predicted to be deleterious by in silico analysis. Based on the available evidence, this alteration is classified as pathogenic.

Otogenetics
Classification: Pathogenic for Autosomal recessive nonsyndromic hearing loss 1A. Last evaluated: 2025-07-03. Review status: criteria provided, single submitter. Criteria: ACMG Guidelines, 2015. Collection method: clinical testing. Allele origin: germline. Affected: no.
Comment: PS3_Moderate: Functional studies indicate significantly different outcomes than wild type variants (PMID 12189493, 16300957); PM2: Aggregated gnomAD MAF of 0.063% (<0.185% threshold); PM3_Moderate: variant detected internally in trans with other pathogenic variant (GJB2 c.35del p.G12fs*2); phase confirmed by parental testing; PP3: In-silico models predict deleterious affect (Revel = 0.98, FATHMM = -5.64)

Revvity Omics, Revvity
Classification: Pathogenic. Last evaluated: 2025-03-24. Review status: criteria provided, single submitter. Criteria: ACMG Guidelines, 2015. Collection method: clinical testing. Allele origin: germline.

Blueprint Genetics
Classification: Pathogenic for GJB2-related disorders. Last evaluated: 2024-11-26. Review status: criteria provided, single submitter. Criteria: ACMG Guidelines, 2015. Collection method: clinical testing. Allele origin: germline. Affected: yes. Observed: 5 variant alleles.

Athena Diagnostics
Classification: Pathogenic. Last evaluated: 2024-08-14. Review status: criteria provided, single submitter. Criteria: Athena Diagnostics Criteria. Collection method: clinical testing. Allele origin: unknown.
Comment: The frequency of this variant in the general population is consistent with pathogenicity (Genome Aggregation Database (gnomAD), Cambridge, MA (URL)). This variant segregates with disease in multiple families. Assessment of experimental evidence suggests this variant results in abnormal protein function. (PMID: 12176036, 16300957, 12505163) In multiple individuals, this variant has been seen with a single recessive pathogenic variant in the same gene, suggesting this variant may also be pathogenic.

Fulgent Genetics
Classification: Pathogenic for Mutilating keratoderma; Autosomal dominant keratitis-ichthyosis-hearing loss syndrome; Palmoplantar keratoderma-deafness syndrome; Knuckle pads, deafness AND leukonychia syndrome; Autosomal recessive nonsyndromic hearing loss 1A; Autosomal dominant nonsyndromic hearing loss 3A. Last evaluated: 2024-04-22. Review status: criteria provided, single submitter. Criteria: ACMG Guidelines, 2015. Collection method: clinical testing. Allele origin: germline.

Laboratory of Medical Genetics, National & Kapodistrian University of Athens
Classification: Pathogenic for Autosomal recessive nonsyndromic hearing loss 1A. Last evaluated: 2024-02-01. Review status: criteria provided, single submitter. Criteria: ACMG Guidelines, 2015. Collection method: curation. Allele origin: germline. Affected: no.

Rady Children's Institute for Genomic Medicine, Rady Children's Hospital San Diego
Classification: Pathogenic for GJB2-related disorders. Last evaluated: 2023-10-30. Review status: criteria provided, single submitter. Criteria: ACMG Guidelines, 2015. Collection method: clinical testing. Allele origin: germline. Affected: yes.
Comment: The c.269T>C (p.Leu90Pro) variant affects a highly conserved amino acid and is predicted by multiple in silico tools to have a deleterious effect on protein function. This is a known Pathogenic variant that has been previously reported as a compound heterozygous change in patients with autosomal recessive nonsyndromic hearing loss (PMID: 10218527, 11313763, 12172392, 12189487, 14738110, 15365987, 16380907). Different amino acid changes at the same residue (p.Leu90Arg and p.Leu90Val) have been previously reported in individuals with hearing loss (PMID: 21287563, 12925341). Multiple functional studies have shown that the c.269T>C (p.Leu90Pro) variant impairs proper assembly and function of the gap junction channels (PMID: 12176036, 12189493, 12505163, 15033936, 16300957). The c.269T>C (p.Leu90Pro) variant is present in the heterozygous state in the gnomAD population database at a frequency of 0.06% (178/282666), and is absent in the homozygous state. Based on the available evidence, c.269T>C (p.Leu90Pro) is classified as Pathogenic.

Clinical Genetics Laboratory, Skane University Hospital Lund
Classification: Pathogenic. Last evaluated: 2023-07-04. Review status: criteria provided, single submitter. Criteria: ACMG Guidelines, 2015. Collection method: clinical testing. Allele origin: germline. Affected: yes.

Integrating Genomics into Medicine, Frazer Institute, University Of Queensland
Classification: Pathogenic for Autosomal recessive nonsyndromic hearing loss 1A. Last evaluated: 2023-06-02. Review status: criteria provided, single submitter. Criteria: ACMG Guidelines, 2015. Collection method: clinical testing. Allele origin: germline. Affected: yes.

Department of Pathology and Laboratory Medicine, Sinai Health System
Classification: Pathogenic for Knuckle pads, deafness AND leukonychia syndrome; Mutilating keratoderma; Palmoplantar keratoderma-deafness syndrome. Last evaluated: 2023-02-14. Review status: criteria provided, single submitter. Criteria: ACMG Guidelines, 2015. Collection method: research. Allele origin: germline.